The following is an entry in ClinVar:

NM_000381.4(MID1):c.1286-1G>C

Gene: MID1 (midline 1; minus strand). Cytogenetic location: Xp22.2.
Variant type: single nucleotide variant.
Coding change: c.1286-1G>C on transcript NM_000381.4 (MANE Select); the canonical splice acceptor site of the intron before coding-DNA position 1286, G replaced by C.
Molecular consequence: splice acceptor variant.
Genome position (GRCh38, 1-based): chrX:10,459,808, C>G on the plus strand (G>C on the coding strand, the complement: MID1 is on the minus strand). VCF-style: chrX-10459808-C-G. GRCh37 (hg19) VCF-style: chrX-10427848-C-G.
Other names: c.1286-1G>C (NM_033290.4, NM_001098624.2, NM_001347733.2 and 1 more transcripts); c.1172-1G>C (NM_033289.2).
Identifiers: ClinVar variation 3343614 (VCV003343614.1).

ClinVar aggregate classification (germline): Likely pathogenic (1 of 4 stars; one submission).

Submission:

GeneDx
Classification: Likely pathogenic. Last evaluated: 2023-05-17. Review status: criteria provided, single submitter. Criteria: GeneDx Variant Classification Process June 2021. Collection method: clinical testing. Allele origin: germline. Affected: yes.
Comment: Canonical splice site variant predicted to result in an in-frame loss of the adjacent exon in a gene for which loss of function is a known mechanism of disease; Not observed at significant frequency in large population cohorts (gnomAD); Has not been previously published as pathogenic or benign to our knowledge